The following is an entry in ClinVar:

NM_138638.5(CFL2):c.93G>C (p.Lys31Asn)

Gene: CFL2 (cofilin 2; minus strand). Cytogenetic location: 14q13.1.
Variant type: single nucleotide variant.
Coding change: c.93G>C on transcript NM_138638.5 (MANE Select); coding-DNA position 93, G replaced by C.
Protein change: p.Lys31Asn; replaces lysine 31 with asparagine.
Molecular consequence: missense variant. On other transcripts: non-coding transcript variant (1).
Genome position (GRCh38, 1-based): chr14:34,713,472, C>G on the plus strand (G>C on the coding strand, the complement: CFL2 is on the minus strand). VCF-style: chr14-34713472-C-G. GRCh37 (hg19) VCF-style: chr14-35182678-C-G.
Other names: c.93G>C (NM_138638.4); c.42G>C, p.Lys14Asn (NM_001243645.2); c.93G>C, p.Lys31Asn (NM_021914.8); short protein forms K14N, K31N.
Identifiers: ClinVar variation 1062469 (VCV001062469.6), dbSNP rs757341071, ClinGen allele CA7152326.

ClinVar aggregate classification (germline): Uncertain significance. Review status: criteria provided, multiple submitters, no conflicts (2 of 4 stars). 2 submissions from 2 submitters: Uncertain significance (2). Last evaluated 2025-02-02.

Conditions:
Inborn genetic diseases. Identifiers: MedGen C0950123, MeSH D030342.
Nemaline myopathy 7 (NEM7). Also called: Nemaline myopathy 7, autosomal recessive. Identifiers: Orphanet 171436, MedGen C1853154, MONDO:0012538, OMIM 610687.

Allele frequency attached by ClinVar (database versions not stated): ExAC 0.00002; gnomAD exomes 0.00003; TOPMed 0.00003; gnomAD 0.00004.
gnomAD v4.1: 46 of 1,613,892 alleles (0.0029%); highest among the groups gnomAD compares: Non-Finnish European, 0.0035%; no homozygotes.

Submissions (2):

Ambry Genetics
Classification: Uncertain significance for Inborn genetic diseases. Last evaluated: 2025-02-02. Review status: criteria provided, single submitter. Criteria: Ambry Variant Classification Scheme 2023. Collection method: clinical testing. Allele origin: germline.

Labcorp Genetics (formerly Invitae), Labcorp
Classification: Uncertain significance for Nemaline myopathy 7. Last evaluated: 2022-03-18. Review status: criteria provided, single submitter. Criteria: Invitae Variant Classification Sherloc (09022015). Collection method: clinical testing. Allele origin: germline.
Comment: This variant has not been reported in the literature in individuals affected with CFL2-related conditions. This variant is present in population databases (rs757341071, gnomAD 0.006%). This sequence change replaces lysine, which is basic and polar, with asparagine, which is neutral and polar, at codon 31 of the CFL2 protein (p.Lys31Asn). ClinVar contains an entry for this variant (Variation ID: 1062469). In summary, the available evidence is currently insufficient to determine the role of this variant in disease. Therefore, it has been classified as a Variant of Uncertain Significance. Algorithms developed to predict the effect of missense changes on protein structure and function are either unavailable or do not agree on the potential impact of this missense change (SIFT: "Deleterious"; PolyPhen-2: "Benign"; Align-GVGD: "Class C65").